The following is an entry in ClinVar:

ClinVar aggregate classification (germline): Conflicting classifications of pathogenicity. Review status: criteria provided, conflicting classifications (1 of 4 stars). 3 submissions from 3 submitters: Uncertain significance (1); Likely benign (2). Last evaluated 2024-02-15.

Conditions:
Familial hypobetalipoproteinemia 1. Also called: APOB-Related Familial Hypobetalipoproteinemia; Hypobetalipoproteinemia, normotriglyceridemic; Acanthocytosis with hypobetalipoproteinemia. Identifiers: MedGen C4551990, MONDO:0014252, OMIM 615558.
Hypercholesterolemia, autosomal dominant, type B (FHCL2). Also called: APOB-Related Familial Hypercholesterolemia, Autosomal Dominant; HYPERCHOLESTEROLEMIA, FAMILIAL, DUE TO LIGAND-DEFECTIVE APOLIPOPROTEIN B; Hyperlipoproteinemia Type IIb; Familial Hypercholesterolemia Type B; APOLIPOPROTEIN B-100, FAMILIAL DEFECTIVE; APOLIPOPROTEIN B-100, FAMILIAL LIGAND-DEFECTIVE. Identifiers: MedGen C1704417, MONDO:0007751, OMIM 144010.
Familial hypercholesterolemia. Also called: Familial hypercholesterolemias; Familial hypercholesterolaemia. Identifiers: MedGen C0020445, MONDO:0005439.

Allele frequency attached by ClinVar (database versions not stated): gnomAD exomes below 0.00001 and 0.00001; TOPMed 0.00001.
gnomAD v4.1: 5 of 1,614,204 alleles (0.00031%); highest among the groups gnomAD compares: Non-Finnish European, 0.00042%; no homozygotes.

Submissions (3):

Labcorp Genetics (formerly Invitae), Labcorp
Classification: Likely benign for Familial hypobetalipoproteinemia 1; Hypercholesterolemia, autosomal dominant, type B. Last evaluated: 2024-02-15. Review status: criteria provided, single submitter. Criteria: Invitae Variant Classification Sherloc (09022015). Collection method: clinical testing. Allele origin: germline.

GENinCode PLC
Classification: Likely benign for Familial hypercholesterolemia. Last evaluated: 2023-12-14. Review status: criteria provided, single submitter. Criteria: ACMG Guidelines, 2015. Collection method: clinical testing. Allele origin: germline.
Comment: This is a synonymous (silent) variant that is not predicted by SpliceAI to impact splicing. In addition, it occurs at a nucleotide that is not conserved. Therefore this variant has been classified as Likely Benign (BP4, BP7).

Quest Diagnostics Nichols Institute San Juan Capistrano
Classification: Uncertain significance. Last evaluated: 2020-12-23. Review status: criteria provided, single submitter. Criteria: Quest Diagnostics criteria. Collection method: clinical testing. Allele origin: unknown.

NM_000384.3(APOB):c.5406A>G (p.Lys1802=)

Gene: APOB (apolipoprotein B; minus strand). Cytogenetic location: 2p24.1.
Variant type: single nucleotide variant.
Coding change: c.5406A>G on transcript NM_000384.3 (MANE Select); coding-DNA position 5406, A replaced by G.
Protein change: p.Lys1802=; no amino-acid change (lysine 1802 retained).
Molecular consequence: synonymous variant.
Genome position (GRCh38, 1-based): chr2:21,011,462, T>C on the plus strand (A>G on the coding strand, the complement: APOB is on the minus strand). VCF-style: chr2-21011462-T-C. GRCh37 (hg19) VCF-style: chr2-21234334-T-C.
Identifiers: ClinVar variation 1330043 (VCV001330043.4), dbSNP rs201432579, ClinGen allele CA43506880.